The following is an entry in ClinVar:

NM_182643.3(DLC1):c.2676G>T (p.Gly892=)

Gene: DLC1 (DLC1 Rho GTPase activating protein; minus strand). Cytogenetic location: 8p22.
Variant type: single nucleotide variant.
Coding change: c.2676G>T on transcript NM_182643.3 (MANE Select); coding-DNA position 2676, G replaced by T.
Protein change: p.Gly892=; no amino-acid change (glycine 892 retained).
Molecular consequence: synonymous variant.
Genome position (GRCh38, 1-based): chr8:13,099,661, C>A on the plus strand (G>T on the coding strand, the complement: DLC1 is on the minus strand). VCF-style: chr8-13099661-C-A. GRCh37 (hg19) VCF-style: chr8-12957170-C-A.
Other names: c.1143G>T, p.Gly381= (NM_001164271.2, NM_001348082.2, NM_001348083.1 and 6 more transcripts); c.1467G>T, p.Gly489= (NM_001316668.2, NM_001413129.1); c.2676G>T, p.Gly892= (NM_001348081.2, NM_001413124.1); c.1458G>T, p.Gly486= (NM_001413130.1); c.1116G>T, p.Gly372= (NM_001413131.1, NM_001413137.1); c.1602G>T, p.Gly534= (NM_001413132.1); c.1365G>T, p.Gly455= (NM_001413135.1, NM_001413136.1, NM_001413139.1 and 1 more transcripts); c.1500G>T, p.Gly500= (NM_001413140.1).
Identifiers: ClinVar variation 4981591 (VCV004981591.1).
Genomic context (GRCh38, chr8:13,099,661, plus strand): 5'-GTGGTAGAGGATGTCGTCCAGCTCGGGGAAGATGTCCTCGTTCTCCAGATCCGCCAGGTC[C>A]CCTGAACTGGAGTAGAGGATGGAGCCCGGCACGTTGTCGTAGATGCTCAGGCGGCTGCTC-3'
Protein context (NP_872584.2, residues 882-902): VPGSILYSSS[Gly892=]DLADLENEDI

ClinVar aggregate classification (germline): Likely benign (1 of 4 stars; one submission).

Conditions:
DLC1-related disorder. Also called: DLC1-related condition.

gnomAD v4.1: 24 of 1,614,054 alleles (0.0015%); highest among the groups gnomAD compares: Non-Finnish European, 0.002%; no homozygotes.

Submission:

PreventionGenetics, part of Exact Sciences
Classification: Likely benign for DLC1-related condition. Last evaluated: 2025-01-29. Review status: criteria provided, single submitter. Criteria: ACMG Guidelines, 2015. Collection method: clinical testing. Allele origin: germline.
Comment: This variant is classified as likely benign based on ACMG/AMP sequence variant interpretation guidelines (Richards et al. 2015 PMID: 25741868, with internal and published modifications).